The following is an entry in ClinVar:

NM_021975.4(RELA):c.419C>G (p.Pro140Arg)

Gene: RELA (RELA proto-oncogene, NF-kB subunit; minus strand). Cytogenetic location: 11q13.1.
Variant type: single nucleotide variant.
Coding change: c.419C>G on transcript NM_021975.4 (MANE Select); coding-DNA position 419, C replaced by G.
Protein change: p.Pro140Arg; replaces proline 140 with arginine.
Molecular consequence: missense variant. On other transcripts: intron variant (1).
Genome position (GRCh38, 1-based): chr11:65,660,132, G>C on the plus strand (C>G on the coding strand, the complement: RELA is on the minus strand). VCF-style: chr11-65660132-G-C. GRCh37 (hg19) VCF-style: chr11-65427603-G-C.
Other names: c.419C>G, p.Pro140Arg (NM_001145138.2, NM_001243984.2, NM_001243985.2 and 2 more transcripts); c.452C>G, p.Pro151Arg (NM_001404657.1); c.392C>G, p.Pro131Arg (NM_001404658.1); c.326C>G, p.Pro109Arg (NM_001404662.1, NM_001404663.1); c.47-335C>G (NM_001404661.1); short protein forms P109R, P131R, P140R, P151R.
Identifiers: ClinVar variation 4686824 (VCV004686824.2).
Genomic context (GRCh38, chr11:65,660,132, plus strand): 5'-GGCTGGGGAGGGTGACAGAGGGTGCGGGTGTGGCAGGCAGGTTTGCCCTCACCTTGGAAG[G>C]GGTTGTTGTTGGTCTGGATGCGCTGACTGATAGCCTGCTCCAGGTCCCGCTTCTTCACAC-3'
Protein context (NP_068810.3, residues 130-150): ISQRIQTNNN[Pro140Arg]FQVPIEEQRG

ClinVar aggregate classification (germline): Uncertain significance. Review status: criteria provided, multiple submitters, no conflicts (2 of 4 stars). 2 submissions from 2 submitters: Uncertain significance (2). Last evaluated 2025-07-23.

Submissions (2):

GeneDx
Classification: Uncertain significance. Last evaluated: 2025-07-23. Review status: criteria provided, single submitter. Criteria: GeneDx Variant Classification Process June 2021. Collection method: clinical testing. Allele origin: germline. Affected: yes.
Comment: Not observed at significant frequency in large population cohorts (gnomAD); In silico analysis supports that this missense variant has a deleterious effect on protein structure/function; Has not been previously published as pathogenic or benign to our knowledge

Labcorp Genetics (formerly Invitae), Labcorp
Classification: Uncertain significance. Last evaluated: 2025-06-22. Review status: criteria provided, single submitter. Criteria: Invitae Variant Classification Sherloc (09022015). Collection method: clinical testing. Allele origin: germline.
Comment: This sequence change replaces proline, which is neutral and non-polar, with arginine, which is basic and polar, at codon 140 of the RELA protein (p.Pro140Arg). This variant is not present in population databases (gnomAD no frequency). This variant has not been reported in the literature in individuals affected with RELA-related conditions. An algorithm developed to predict the effect of missense changes on protein structure and function (PolyPhen-2) suggests that this variant is likely to be disruptive. In summary, the available evidence is currently insufficient to determine the role of this variant in disease. Therefore, it has been classified as a Variant of Uncertain Significance.